The following is an entry in ClinVar:

NM_000836.4(GRIN2D):c.1951dup (p.Arg651fs)

Genes: GRIN2D (glutamate ionotropic receptor NMDA type subunit 2D; plus strand), LOC130064857 (ATAC-STARR-seq lymphoblastoid active region 14894; plus strand). Cytogenetic location: 19q13.33.
Variant type: Duplication.
Coding change: c.1951dup on transcript NM_000836.4 (MANE Select); coding-DNA position 1951, one base duplicated (C; older notation c.1951dupC).
Protein change: p.Arg651fs; shifts the reading frame from arginine 651.
Molecular consequence: frameshift variant.
Genome position (GRCh38, 1-based): chr19:48,419,674, C duplicated; the last of 5 consecutive C bases (chr19:48,419,670-48,419,674); duplicating any one gives the same sequence. VCF-style (leftmost placement, unchanged base first): chr19-48419669-A-AC. GRCh37 (hg19) VCF-style: chr19-48922926-A-AC.
Other names: short protein forms R651fs.
Identifiers: ClinVar variation 1803557 (VCV001803557.1), dbSNP rs2513675314, ClinGen allele CA2580097475.
Genomic context (GRCh38, chr19:48,419,669, plus strand): 5'-TTGGGAAATCCATCTGGCTGCTCTGGGCCCTGGTGTTCAATAATTCGGTGCCCGTGGAGA[A>AC]CCCCCGGGGAACCACCAGCAAAATCATGGTGCTGGTGTGGGCCTTCTTCGCCGTCATCTT-3'

ClinVar aggregate classification (germline): Uncertain significance (1 of 4 stars; one submission).

Submission:

GeneDx
Classification: Uncertain significance. Last evaluated: 2022-06-08. Review status: criteria provided, single submitter. Criteria: GeneDx Variant Classification Process June 2021. Collection method: clinical testing. Allele origin: germline. Affected: yes.
Comment: Not observed at significant frequency in large population cohorts (gnomAD); Frameshift variant predicted to result in protein truncation or nonsense mediated decay in a gene or region of a gene for which loss of function is not a well-established mechanism of disease; Has not been previously published as pathogenic or benign to our knowledge.